The following is an entry in ClinVar:

ClinVar aggregate classification (germline): Uncertain significance. Review status: reviewed by expert panel (3 of 4 stars). 9 submissions from 9 submitters: Uncertain significance (1). 8 of the submissions do not count toward it. Last evaluated 2026-08-27.

Conditions:
BRCA1-related cancer predisposition. Identifiers: MedGen CN377757, MONDO:0700268.
Hereditary cancer-predisposing syndrome. Also called: Tumor predisposition; Hereditary neoplastic syndrome; Hereditary Cancer Syndrome; Neoplastic Syndromes, Hereditary. Identifiers: Orphanet 140162, MedGen C0027672, MeSH D009386, MONDO:0015356.
Hereditary breast ovarian cancer syndrome. Also called: Hereditary breast and/or ovarian cancer syndrome; Breast and ovarian cancer; Hereditary breast and ovarian cancer syndrome; Hereditary breast and ovarian cancer; Hereditary breast and ovarian cancer syndrome (HBOC); BRCA1- and BRCA2-Associated Hereditary Breast and Ovarian Cancer. Identifiers: Orphanet 145, MedGen C0677776, MeSH D061325, MONDO:0003582. Disease mechanism: loss of function.
Breast-ovarian cancer, familial, susceptibility to, 1 (BROVCA1). Also called: BRCA1 Hereditary Breast and Ovarian Cancer; OVARIAN CANCER, SUSCEPTIBILITY TO. Identifiers: Orphanet 145, MedGen C2676676, MONDO:0011450, OMIM 604370. Disease mechanism: loss of function.

Submissions (9):

ClinGen ENIGMA BRCA1 and BRCA2 Variant Curation Expert Panel, ClinGen
Classification: Uncertain significance for BRCA1-related cancer predisposition. Last evaluated: 2026-08-27. Review status: reviewed by expert panel. Criteria: CSpec BRCA1/2ACMG Rules Specifications V1.2. Collection method: curation. Allele origin: germline. Inheritance: Autosomal dominant inheritance.
Comment: The c.668dup variant in BRCA1 is a duplication of a single nucleotide, predicted to encode a frameshift with consequent premature termination of the protein at codon 4 of the frameshift, or amino acid 227 (p.(Ala224GlyfsTer4)). This duplication variant was not observed in gnomAD v4.1, but PM2_Supporting was not applied since recall is suboptimal for this type of variant (PM2_Supporting not met). Frameshift variant in exon 9(10) predicted to cause a premature stop codon in exon 10(11). Exon 9(10) is absent from biologically relevant transcript. This isoform, the in-frame Δ8,9 (Δ9,10), can functionally rescue BRCA1 function at normal levels seen in controls (PMID:24569164 and 27008870) (PVS1_N/A). The ENIGMA BRCA1/2 VCEP considered multiple lines of functional and clinical evidence to define exon-specific weights for PTC in BRCA1; there was insufficient evidence available to assess weight for a PTC variant in BRCA1 Exon 9(10) at the time of PM5 calibration analysis (PM5_N/A (PTC)). In summary, this variant did not meet any criteria and is classified as a Variant of uncertain significance for BRCA1-related cancer predisposition based on the ACMG/AMP criteria applied as specified by the ENIGMA BRCA1/2 VCEP (v1.2).

Ambry Genetics
Classification: Uncertain significance for Hereditary cancer-predisposing syndrome. Last evaluated: 2025-05-09. Review status: criteria provided, single submitter. Criteria: Ambry Variant Classification Scheme 2023. Collection method: clinical testing. Allele origin: germline. Not counted in ClinVar's aggregate classification.
Comment: The c.668dupA variant, located in coding exon 8 of the BRCA1 gene, results from a duplication of A at nucleotide position 668, causing a translational frameshift with a predicted alternate stop codon (p.A224Gfs*4). This alteration is expected to result in loss of function by premature protein truncation or nonsense-mediated mRNA decay. However, this variant occurs in an exon that is absent in biologically relevant transcripts (Colombo M et al. Hum. Mol. Genet. 2014 Jul;23:3666-80). Based on the available evidence, the clinical significance of this variant remains unclear.

Labcorp Genetics (formerly Invitae), Labcorp
Classification: Uncertain significance for Hereditary breast ovarian cancer syndrome. Last evaluated: 2025-05-04. Review status: criteria provided, single submitter. Criteria: Invitae Variant Classification Sherloc (09022015). Collection method: clinical testing. Allele origin: germline. Not counted in ClinVar's aggregate classification.
Comment: This sequence change creates a premature translational stop signal (p.Ala224Glyfs*4) in the BRCA1 gene. Loss-of-function variants in BRCA1 are expected to be pathogenic (PMID: 20104584). However, an in-frame BRCA1 isoform lacking exons 8 and 9 (also known as exons 9 and 10) is highly expressed in blood from unaffected individuals and in normal breast tissue; this isoform may retain protein function and could functionally rescue loss-of-function variants within exons 8-9 (PMID: 24569164). This variant is not present in population databases (gnomAD no frequency). This premature translational stop signal has been observed in individual(s) with breast cancer and/or high risk of breast and ovarian cancers (PMID: 29446198, 34490083). ClinVar contains an entry for this variant (Variation ID: 125900). In summary, the available evidence is currently insufficient to determine the role of this variant in disease. Therefore, it has been classified as a Variant of Uncertain Significance.

Molecular Pathology, Peter Maccallum Cancer Centre
Classification: Uncertain significance for Breast-ovarian cancer, familial, susceptibility to, 1. Last evaluated: 2025-04-16. Review status: criteria provided, single submitter. Criteria: ACMG Guidelines, 2015. Collection method: clinical testing. Allele origin: germline. Inheritance: Autosomal dominant inheritance. Not counted in ClinVar's aggregate classification.

Center for Genomic Medicine, Rigshospitalet, Copenhagen University Hospital
Classification: Uncertain significance. Last evaluated: 2025-03-04. Review status: criteria provided, single submitter. Criteria: ACMG Guidelines, 2015. Collection method: clinical testing. Allele origin: germline. Not counted in ClinVar's aggregate classification.

Color Diagnostics, LLC DBA Color Health
Classification: Uncertain significance for Hereditary cancer-predisposing syndrome. Last evaluated: 2023-05-11. Review status: criteria provided, single submitter. Criteria: ACMG Guidelines, 2015. Collection method: clinical testing. Allele origin: germline. Not counted in ClinVar's aggregate classification.
Comment: This variant changes 1 nucleotides in exon 9 of the BRCA1 gene, creating a premature translation stop signal. This variant is expected to result in the absence of full-length protein product. This variant has not been identified in the general population by the Genome Aggregation Database (gnomAD). Truncation variants in the vicinity of exons 8 and 9 have been reported in three individuals affected with high-risk breast cancer and/or ovarian cancer (PMID: 12203997, 12815604, 15642173, 33649982) and in a suspected hereditary breast and ovarian cancer family (PMID: 8764110). In one study, an exon 9 frameshift variant (c.594_597del) has been observed in compound heterozygosity with a known pathogenic missense variant, in an individual diagnosed with Fanconi anemia (PMID: 25472942). This presentation suggests that the exon 9 variant contributed to the development of disease. However, two splicing variants c.591C>T and c.594-2A>C that have been demonstrated to cause a premature translation stop signal and have been reported in individuals affected with breast and ovarian cancer, as well as in healthy unaffected individuals (PMID: 16211554, 19892845, 25639900, 27008870). The case-control, health history, tumor pathology and segregation data for the c.594-2A>C variant either indicate that this variant is not pathogenic or that pathogenicity is inconclusive (PMID: 25639900, 27008870). In these carriers, there is a relative increase in the skipping of exons 8 and 9 by pre-mRNA splicing that is expected to cause a small in-frame deletion of 41 amino acids from the reference protein (1884 amino acids) (PMID: 19892845, 27008870). An interpretation of these findings is that a BRCA1 mRNA isoform lacking exons 8 and 9 is normally produced and is functional. This alternate mRNA isoform is expected to be refractory to frameshift, nonsense and splicing defective variants found in exons 8 and 9 (PMID: 27008870). RNA studies have confirmed the appearance of the skipping of exons 8 and 9 in the majority of individuals tested, however, the degree of expression also appears to be highly variable in individuals (PMID: 24569164, 27008870, 28905878, 32133419). Taken together, the available evidence suggests that the expected deleterious effects of this c.668dup variant and other truncation variants occurring in exons 8 and 9 could be ameliorated by the expression of the mRNA isoform lacking exons 8 and 9 that retains normal BRCA1 function. Because of the uncertain clinical consequences of this variant, it is classified as a Variant of Uncertain Significance.

Consortium of Investigators of Modifiers of BRCA1/2 (CIMBA), c/o University of Cambridge
Classification: Pathogenic for Breast-ovarian cancer, familial, susceptibility to, 1. Last evaluated: 2015-10-02. Review status: criteria provided, single submitter. Criteria: CIMBA Mutation Classification guidelines May 2016. Collection method: clinical testing. Allele origin: germline. Not counted in ClinVar's aggregate classification.

Biomedical Genomics and Oncogenetics Laboratory, Institut Pasteur de Tunis, University Tunis El Manar
Classification: Pathogenic for Breast-ovarian cancer, familial, susceptibility to, 1. Review status: criteria provided, single submitter. Criteria: ACMG Guidelines, 2015. Collection method: clinical testing. Allele origin: germline. Affected: yes. Observed: 1 variant allele. Not counted in ClinVar's aggregate classification.

Breast Cancer Information Core (BIC) (BRCA1)
Classification: Pathogenic for Breast-ovarian cancer, familial 1. Last evaluated: 1999-04-06. Review status: no assertion criteria provided. Collection method: clinical testing. Allele origin: germline. Affected: yes. Observed: 1 variant allele. Not counted in ClinVar's aggregate classification.

Literature cited by the submitters: PubMed 29446198 (cited by Ambry Genetics and Labcorp Genetics (formerly Invitae), Labcorp); PubMed 20104584 (cited by Labcorp Genetics (formerly Invitae), Labcorp); PubMed 24569164 (cited by 3 submitters); PubMed 34490083 (cited by Labcorp Genetics (formerly Invitae), Labcorp and Center for Genomic Medicine, Rigshospitalet, Copenhagen University Hospital); PubMed 27008870 (cited by Center for Genomic Medicine, Rigshospitalet, Copenhagen University Hospital and Color Diagnostics, LLC DBA Color Health); PubMed 8764110 (cited by Color Diagnostics, LLC DBA Color Health); PubMed 12203997 (cited by Color Diagnostics, LLC DBA Color Health); PubMed 12815604 (cited by Color Diagnostics, LLC DBA Color Health); PubMed 15642173 (cited by Color Diagnostics, LLC DBA Color Health); PubMed 16211554 (cited by Color Diagnostics, LLC DBA Color Health); PubMed 19892845 (cited by Color Diagnostics, LLC DBA Color Health); PubMed 25472942 (cited by Color Diagnostics, LLC DBA Color Health); PubMed 25639900 (cited by Color Diagnostics, LLC DBA Color Health); PubMed 28905878 (cited by Color Diagnostics, LLC DBA Color Health); PubMed 32133419 (cited by Color Diagnostics, LLC DBA Color Health); PubMed 33649982 (cited by Color Diagnostics, LLC DBA Color Health); PubMed 30832263 (cited by Biomedical Genomics and Oncogenetics Laboratory, Institut Pasteur de Tunis, University Tunis El Manar).

NM_007294.4(BRCA1):c.668dup (p.Ala224fs)

Gene: BRCA1 (BRCA1 DNA repair associated; minus strand). Cytogenetic location: 17q21.31.
Variant type: Duplication.
Coding change: c.668dup on transcript NM_007294.4 (MANE Select); coding-DNA position 668, one base duplicated (A; older notation c.668dupA).
Protein change: p.Ala224fs; shifts the reading frame from alanine 224.
Molecular consequence: frameshift variant. On other transcripts: nonsense (10), non-coding transcript variant (1).
Genome position (GRCh38, 1-based): chr17:43,095,848, T duplicated on the plus strand (A on the coding strand, the reverse complement: BRCA1 is on the minus strand); the first of 6 consecutive T bases (chr17:43,095,848-43,095,853); duplicating any one gives the same sequence. VCF-style (leftmost placement, unchanged base first): chr17-43095847-C-CT. GRCh37 (hg19) VCF-style: chr17-41247864-C-CT.
Other names: 787insA; NM_007294.4(BRCA1):c.668dup; p.Ala224fs; c.668dupA (NM_007294.3, NM_007294.4); c.663dup, p.Ala224Glyfs (NM_001407583.1, NM_001407585.1, NM_001407593.1 and 52 more transcripts); c.660dup, p.Ala223Glyfs (NM_001407587.1, NM_001407590.1, NM_001407591.1 and 38 more transcripts); c.654dup, p.Ala221Glyfs (NM_001407646.1, NM_001407647.1, NM_001408408.1); c.585dup, p.Ala198Glyfs (NM_001407653.1, NM_001407654.1, NM_001407655.1 and 9 more transcripts); and 13 more; short protein forms A224fs, A177fs.
Identifiers: ClinVar variation 125900 (VCV000125900.32), dbSNP rs80357537, ClinGen allele CA003787.